The following is an entry in ClinVar:

ClinVar aggregate classification (germline): Uncertain significance (1 of 4 stars; one submission).

Allele frequency attached by ClinVar (database versions not stated): TOPMed below 0.00001; gnomAD 0.00001; ESP Exome Variant Server 0.00008.

Submission:

Labcorp Genetics (formerly Invitae), Labcorp
Classification: Uncertain significance. Last evaluated: 2025-03-17. Review status: criteria provided, single submitter. Criteria: Invitae Variant Classification Sherloc (09022015). Collection method: clinical testing. Allele origin: germline.
Comment: This sequence change replaces isoleucine, which is neutral and non-polar, with valine, which is neutral and non-polar, at codon 537 of the COL9A3 protein (p.Ile537Val). This variant is present in population databases (rs200933333, gnomAD 0.01%). This variant has not been reported in the literature in individuals affected with COL9A3-related conditions. ClinVar contains an entry for this variant (Variation ID: 1516645). Invitae Evidence Modeling of protein sequence and biophysical properties (such as structural, functional, and spatial information, amino acid conservation, physicochemical variation, residue mobility, and thermodynamic stability) indicates that this missense variant is not expected to disrupt COL9A3 protein function with a negative predictive value of 95%. In summary, the available evidence is currently insufficient to determine the role of this variant in disease. Therefore, it has been classified as a Variant of Uncertain Significance.

NM_001853.4(COL9A3):c.1609A>G (p.Ile537Val)

Gene: COL9A3 (collagen type IX alpha 3 chain; plus strand). Cytogenetic location: 20q13.33.
Variant type: single nucleotide variant.
Coding change: c.1609A>G on transcript NM_001853.4 (MANE Select); coding-DNA position 1609, A replaced by G.
Protein change: p.Ile537Val; replaces isoleucine 537 with valine.
Molecular consequence: missense variant.
Genome position (GRCh38, 1-based): chr20:62,837,088, A>G. VCF-style: chr20-62837088-A-G. GRCh37 (hg19) VCF-style: chr20-61468440-A-G.
Other names: short protein forms I537V.
Identifiers: ClinVar variation 1516645 (VCV001516645.8), dbSNP rs200933333, ClinGen allele CA317343986.